The following is an entry in ClinVar:

ClinVar aggregate classification (germline): Uncertain significance (1 of 4 stars; one submission).

Submission:

Labcorp Genetics (formerly Invitae), Labcorp
Classification: Uncertain significance. Last evaluated: 2023-08-10. Review status: criteria provided, single submitter. Criteria: Invitae Variant Classification Sherloc (09022015). Collection method: clinical testing. Allele origin: germline.
Comment: In summary, the available evidence is currently insufficient to determine the role of this variant in disease. Therefore, it has been classified as a Variant of Uncertain Significance. Advanced modeling of protein sequence and biophysical properties (such as structural, functional, and spatial information, amino acid conservation, physicochemical variation, residue mobility, and thermodynamic stability) performed at Invitae indicates that this missense variant is not expected to disrupt KMT2A protein function. ClinVar contains an entry for this variant (Variation ID: 1520835). This variant has not been reported in the literature in individuals affected with KMT2A-related conditions. This variant is not present in population databases (gnomAD no frequency). This sequence change replaces aspartic acid, which is acidic and polar, with glutamic acid, which is acidic and polar, at codon 1227 of the KMT2A protein (p.Asp1227Glu).

NM_001197104.2(KMT2A):c.3681C>G (p.Asp1227Glu)

Gene: KMT2A (lysine methyltransferase 2A; plus strand). Cytogenetic location: 11q23.3.
Variant type: single nucleotide variant.
Coding change: c.3681C>G on transcript NM_001197104.2 (MANE Select); coding-DNA position 3681, C replaced by G.
Protein change: p.Asp1227Glu; replaces aspartic acid 1227 with glutamic acid.
Molecular consequence: missense variant.
Genome position (GRCh38, 1-based): chr11:118,481,761, C>G. VCF-style: chr11-118481761-C-G. GRCh37 (hg19) VCF-style: chr11-118352476-C-G.
Other names: c.3681C>G, p.Asp1227Glu (NM_005933.4); short protein forms D1227E.
Identifiers: ClinVar variation 1520835 (VCV001520835.8), dbSNP rs542811833, ClinGen allele CA382827144.